The following is an entry in ClinVar:

ClinVar aggregate classification (germline): Uncertain significance (1 of 4 stars; one submission).

Allele frequency attached by ClinVar (database versions not stated): gnomAD exomes 0.00001.
gnomAD v4.1: 5 of 1,612,894 alleles (0.00031%); highest among the groups gnomAD compares: Non-Finnish European, 0.00042%; no homozygotes.

Submission:

CeGaT Center for Human Genetics Tuebingen
Classification: Uncertain significance. Last evaluated: 2022-06-01. Review status: criteria provided, single submitter. Criteria: CeGaT Center For Human Genetics Tuebingen Variant Classification Criteria Version 2. Collection method: clinical testing. Allele origin: germline. Affected: yes. Observed: 1 variant allele.
Comment: COL6A2: PM2

NM_001849.4(COL6A2):c.989A>T (p.Asp330Val)

Gene: COL6A2 (collagen type VI alpha 2 chain; plus strand). Cytogenetic location: 21q22.3.
Variant type: single nucleotide variant.
Coding change: c.989A>T on transcript NM_001849.4 (MANE Select); coding-DNA position 989, A replaced by T.
Protein change: p.Asp330Val; replaces aspartic acid 330 with valine.
Molecular consequence: missense variant.
Genome position (GRCh38, 1-based): chr21:46,116,804, A>T. VCF-style: chr21-46116804-A-T. GRCh37 (hg19) VCF-style: chr21-47536718-A-T.
Other names: c.989A>T, p.Asp330Val (NM_058174.3, NM_058175.3); short protein forms D330V.
Identifiers: ClinVar variation 2652798 (VCV002652798.24), dbSNP rs2516997209, ClinGen allele CA410527264.
Genomic context (GRCh38, chr21:46,116,804, plus strand): 5'-GAGTTCCCTCTTCCTTCTCTCTTCAGGGGGCCCCTGGCCTGGCTGGCAAGAACGGGACCG[A>T]TGGACAGAAGGTAGAGGGAGCCTCGGGCTCACAGCTGGACTGGTCTCACAGAGGCATCCC-3'
Protein context (NP_001840.3, residues 320-340): APGLAGKNGT[Asp330Val]GQKGKLGRIG